The following is an entry in ClinVar:

ClinVar aggregate classification (germline): Benign/Likely benign. Review status: criteria provided, multiple submitters, no conflicts (2 of 4 stars). 4 submissions from 4 submitters: Benign (3); Likely benign (1). Last evaluated 2025-11-17.

Allele frequency attached by ClinVar (database versions not stated): TOPMed 0.00043; 1000 Genomes Project 30x 0.00125; 1000 Genomes Project 0.00160.
gnomAD v4.1: 424 of 1,571,756 alleles (0.027%); highest among the groups gnomAD compares: East Asian, 0.88%; 3 homozygotes.

Submissions (4):

Labcorp Genetics (formerly Invitae), Labcorp
Classification: Benign. Last evaluated: 2025-11-17. Review status: criteria provided, single submitter. Criteria: Invitae Variant Classification Sherloc (09022015). Collection method: clinical testing. Allele origin: germline.

Blueprint Genetics
Classification: Likely benign. Last evaluated: 2024-10-23. Review status: criteria provided, single submitter. Criteria: ACMG Guidelines, 2015. Collection method: clinical testing. Allele origin: germline.

GeneDx
Classification: Benign. Last evaluated: 2018-12-14. Review status: criteria provided, single submitter. Criteria: GeneDx Variant Classification Process June 2021. Collection method: clinical testing. Allele origin: germline. Affected: yes.

Laboratory for Molecular Medicine, Mass General Brigham Personalized Medicine
Classification: Benign. Last evaluated: 2017-08-23. Review status: criteria provided, single submitter. Criteria: LMM Criteria. Collection method: clinical testing. Allele origin: germline. Observed: 1 variant allele.
Comment: p.Leu11Phe in exon 1 of MSRB3: This variant is not expected to have clinical sig nificance because it has been identified in 1.85% (31/1672) of East Asian chromo somes by the Exome Aggregation Consortium (ExAC; dbSNP rs200778091).

NM_001031679.3(MSRB3):c.-118C>T

Gene: MSRB3 (methionine sulfoxide reductase B3; plus strand). Cytogenetic location: 12q14.3.
Variant type: single nucleotide variant.
Coding change: c.-118C>T on transcript NM_001031679.3 (MANE Select); 118 bases upstream of the start codon, C replaced by T.
Molecular consequence: 5 prime UTR variant. On other transcripts: missense variant (1).
Genome position (GRCh38, 1-based): chr12:65,278,799, C>T. VCF-style: chr12-65278799-C-T. GRCh37 (hg19) VCF-style: chr12-65672579-C-T.
Other names: c.-282C>T (NM_001193460.2); c.31C>T, p.Leu11Phe (NM_198080.4); short protein forms L11F.
Identifiers: ClinVar variation 667049 (VCV000667049.14), dbSNP rs200778091, ClinGen allele CA6671329.